The following is an entry in ClinVar:

NM_032119.4(ADGRV1):c.15980TCT[1] (p.Phe5328del)

Gene: ADGRV1 (adhesion G protein-coupled receptor V1; plus strand). Cytogenetic location: 5q14.3.
Variant type: Microsatellite.
Coding change: c.15980TCT[1] on transcript NM_032119.4 (MANE Select); one copy of the 3-base unit TCT starting at c.15980; the reference has two copies in a row; one copy, 3 bases deleted; also written c.15983_15985del.
Protein change: p.Phe5328del; deletes phenylalanine 5328.
Molecular consequence: inframe deletion. On other transcripts: non-coding transcript variant (1).
Genome position (GRCh38, 1-based): chr5:90,811,243-90,811,245, TCT deleted; deleting any 3 consecutive bases within chr5:90,811,239-90,811,245 gives the same sequence; the position shown is the placement nearest the transcript's 3' end. VCF-style (leftmost placement, unchanged base first): chr5-90811238-ATTC-A. GRCh37 (hg19) VCF-style: chr5-90107055-ATTC-A.
Other names: c.15983_15985del (NM_032119.3); short protein forms F5328del.
Identifiers: ClinVar variation 418238 (VCV000418238.16), dbSNP rs766355750, ClinGen allele CA3342015.

ClinVar aggregate classification (germline): Conflicting classifications of pathogenicity. Review status: criteria provided, conflicting classifications (1 of 4 stars). 3 submissions from 3 submitters: Likely pathogenic (1); Uncertain significance (2). Last evaluated 2026-03-24.

Conditions:
ADGRV1-related disorder. Also called: ADGRV1-related condition; ADGRV1-related disorders.

Submissions (3):

PreventionGenetics, part of Exact Sciences
Classification: Uncertain significance for ADGRV1-related condition. Last evaluated: 2026-03-24. Review status: criteria provided, single submitter. Criteria: ACMG Guidelines, 2015. Collection method: clinical testing. Allele origin: germline.
Comment: The ADGRV1 c.15983_15985delTCT variant is predicted to result in an in-frame deletion (p.Phe5328del). This variant has been reported along with an ADGRV1 splice acceptor site variant in an individual with retinal disease (reported as gene GPR98 in Table S2, Zampaglione et al. 2020. PubMed ID: 32037395). This variant is present in 0.0084% of alleles in individuals of African descent in gnomAD. Although we suspect that this variant may be pathogenic, at this time, the clinical significance of this variant is uncertain due to the absence of conclusive functional and genetic evidence.

GeneDx
Classification: Likely pathogenic. Last evaluated: 2025-12-19. Review status: criteria provided, single submitter. Criteria: GeneDx Variant Classification Process June 2021. Collection method: clinical testing. Allele origin: germline. Affected: yes.
Comment: In-frame deletion of 1 amino acid in a non-repeat region; In silico analysis supports a deleterious effect on protein structure/function; This variant is associated with the following publications: (PMID: 32037395)

Labcorp Genetics (formerly Invitae), Labcorp
Classification: Uncertain significance. Last evaluated: 2025-03-18. Review status: criteria provided, single submitter. Criteria: Invitae Variant Classification Sherloc (09022015). Collection method: clinical testing. Allele origin: germline.
Comment: This variant, c.15983_15985del, results in the deletion of 1 amino acid(s) of the ADGRV1 protein (p.Phe5328del), but otherwise preserves the integrity of the reading frame. This variant is present in population databases (rs766355750, gnomAD 0.008%). This variant has been observed in individuals with inherited retinal dystrophy (PMID: 32037395). ClinVar contains an entry for this variant (Variation ID: 418238). Experimental studies and prediction algorithms are not available or were not evaluated, and the functional significance of this variant is currently unknown. In summary, the available evidence is currently insufficient to determine the role of this variant in disease. Therefore, it has been classified as a Variant of Uncertain Significance.

Literature cited by the submitters: PubMed 32037395 (cited by Labcorp Genetics (formerly Invitae), Labcorp).